The following is an entry in ClinVar:

ClinVar aggregate classification (germline): Uncertain significance (1 of 4 stars; one submission).

Conditions:
Primary ciliary dyskinesia. Also called: Ciliary dyskinesia. Identifiers: Orphanet 244, MedGen C0008780, MONDO:0016575, HP:0012265.

Allele frequency attached by ClinVar (database versions not stated): TOPMed below 0.00001.

Submission:

Labcorp Genetics (formerly Invitae), Labcorp
Classification: Uncertain significance for Primary ciliary dyskinesia. Last evaluated: 2025-01-06. Review status: criteria provided, single submitter. Criteria: Invitae Variant Classification Sherloc (09022015). Collection method: clinical testing. Allele origin: germline.
Comment: This sequence change replaces alanine, which is neutral and non-polar, with valine, which is neutral and non-polar, at codon 808 of the DNAAF5 protein (p.Ala808Val). This variant is not present in population databases (gnomAD no frequency). This variant has not been reported in the literature in individuals affected with DNAAF5-related conditions. ClinVar contains an entry for this variant (Variation ID: 1465142). Invitae Evidence Modeling of protein sequence and biophysical properties (such as structural, functional, and spatial information, amino acid conservation, physicochemical variation, residue mobility, and thermodynamic stability) indicates that this missense variant is not expected to disrupt DNAAF5 protein function with a negative predictive value of 80%. In summary, the available evidence is currently insufficient to determine the role of this variant in disease. Therefore, it has been classified as a Variant of Uncertain Significance.

NM_017802.4(DNAAF5):c.2423C>T (p.Ala808Val)

Gene: DNAAF5 (dynein axonemal assembly factor 5; plus strand). Cytogenetic location: 7p22.3.
Variant type: single nucleotide variant.
Coding change: c.2423C>T on transcript NM_017802.4 (MANE Select); coding-DNA position 2423, C replaced by T.
Protein change: p.Ala808Val; replaces alanine 808 with valine.
Molecular consequence: missense variant. On other transcripts: non-coding transcript variant (1).
Genome position (GRCh38, 1-based): chr7:780,136, C>T. VCF-style: chr7-780136-C-T. GRCh37 (hg19) VCF-style: chr7-819773-C-T.
Other names: short protein forms A808V.
Identifiers: ClinVar variation 1465142 (VCV001465142.6), dbSNP rs1778888401, ClinGen allele CA366548255.